The following is an entry in ClinVar:

NM_001127222.2(CACNA1A):c.4095_4096del (p.Val1365_Phe1366insTer)

Genes: CACNA1A (calcium voltage-gated channel subunit alpha1 A; minus strand), LOC126862864 (MED14-independent group 3 enhancer GRCh37_chr19:13371552-13372751; plus strand). Cytogenetic location: 19p13.13.
Variant type: Microsatellite.
Coding change: c.4095_4096del on transcript NM_001127222.2 (MANE Select); coding-DNA positions 4095 to 4096, 2 bases deleted (GT; older notation c.4095_4096delGT).
Protein change: p.Val1365_Phe1366insTer.
Molecular consequence: frameshift variant.
Genome position (GRCh38, 1-based): chr19:13,261,604-13,261,605, AC deleted on the plus strand (GT on the coding strand, the reverse complement: CACNA1A is on the minus strand); deleting any 2 consecutive bases within chr19:13,261,604-13,261,608 gives the same sequence; the c. name uses the placement nearest the transcript's 3' end. VCF-style (leftmost placement, unchanged base first): chr19-13261603-AAC-A. GRCh37 (hg19) VCF-style: chr19-13372417-AAC-A.
Other names: c.4107_4108del, p.Val1369_Phe1370insTer (NM_000068.4, NM_023035.3); c.4098_4099del, p.Val1366_Phe1367insTer (NM_001127221.2, NM_001174080.2).
Identifiers: ClinVar variation 2948701 (VCV002948701.3), dbSNP rs2512759551, ClinGen allele CA2740091938.

ClinVar aggregate classification (germline): Pathogenic (1 of 4 stars; one submission).

Conditions:
Episodic ataxia type 2 (EA2). Also called: CEREBELLAR ATAXIA, PAROXYSMAL, ACETAZOLAMIDE-RESPONSIVE; CEREBELLOPATHY, HEREDITARY PAROXYSMAL; EPISODIC ATAXIA, NYSTAGMUS-ASSOCIATED; ACETAZOLAMIDE-RESPONSIVE HEREDITARY PAROXYSMAL CEREBELLAR ATAXIA; ATAXIA, EPISODIC, WITH NYSTAGMUS; ATAXIA, FAMILIAL PAROXYSMAL. Identifiers: Orphanet 97, MedGen C1720416, MONDO:0007163, OMIM 108500.
Developmental and epileptic encephalopathy, 42 (DEE42A). Also called: Epileptic encephalopathy, early infantile, 42; DEVELOPMENTAL AND EPILEPTIC ENCEPHALOPATHY 42A; EPILEPTIC ENCEPHALOPATHY, EARLY INFANTILE, 42A. Identifiers: MedGen C4310716, MONDO:0014917, OMIM 617106.

Submission:

Labcorp Genetics (formerly Invitae), Labcorp
Classification: Pathogenic for Developmental and epileptic encephalopathy, 42; Episodic ataxia type 2. Last evaluated: 2023-06-09. Review status: criteria provided, single submitter. Criteria: Invitae Variant Classification Sherloc (09022015). Collection method: clinical testing. Allele origin: germline.
Comment: This variant is not present in population databases (gnomAD no frequency). For these reasons, this variant has been classified as Pathogenic. This variant has not been reported in the literature in individuals affected with CACNA1A-related conditions. This sequence change creates a premature translational stop signal (p.Phe1367*) in the CACNA1A gene. It is expected to result in an absent or disrupted protein product. Loss-of-function variants in CACNA1A are known to be pathogenic (PMID: 10371528, 19486177, 25735478, 27250579).

Literature cited by the submitters: PubMed 10371528; PubMed 19486177; PubMed 25735478; PubMed 27250579.